The following is an entry in ClinVar:

ClinVar aggregate classification (germline): Benign (1 of 4 stars; one submission).

Allele frequency attached by ClinVar (database versions not stated): gnomAD exomes 0.12426; gnomAD 0.13366 and 0.13974; TOPMed 0.15138; 1000 Genomes Project 0.19708; 1000 Genomes Project 30x 0.19909.

Submission:

GeneDx
Classification: Benign. Last evaluated: 2018-06-18. Review status: criteria provided, single submitter. Criteria: GeneDx Variant Classification (06012015). Collection method: clinical testing. Allele origin: germline. Affected: yes.
Comment: This variant is considered likely benign or benign based on one or more of the following criteria: it is a conservative change, it occurs at a poorly conserved position in the protein, it is predicted to be benign by multiple in silico algorithms, and/or has population frequency not consistent with disease.

NM_005609.4(PYGM):c.1969+280A>G

Gene: PYGM (glycogen phosphorylase, muscle associated; minus strand). Cytogenetic location: 11q13.1.
Variant type: single nucleotide variant.
Coding change: c.1969+280A>G on transcript NM_005609.4 (MANE Select); 280 bases into the intron after coding-DNA position 1969, A replaced by G.
Molecular consequence: intron variant.
Genome position (GRCh38, 1-based): chr11:64,751,045, T>C on the plus strand (A>G on the coding strand, the complement: PYGM is on the minus strand). VCF-style: chr11-64751045-T-C. GRCh37 (hg19) VCF-style: chr11-64518517-T-C.
Other names: c.1705+280A>G (NM_001164716.1).
Identifiers: ClinVar variation 680730 (VCV000680730.1), dbSNP rs592532, ClinGen allele CA223898055.